The following is an entry in ClinVar:

ClinVar aggregate classification (germline): Pathogenic (1 of 4 stars; one submission).

Conditions:
CEBALID syndrome (CEBALID). Also called: MN1 C-TERMINAL TRUNCATION SYNDROME; CRANIOFACIAL DEFECTS, DYSMORPHIC EARS, STRUCTURAL BRAIN ABNORMALITIES, EXPRESSIVE LANGUAGE DELAY, AND IMPAIRED INTELLECTUAL DEVELOPMENT. Identifiers: Orphanet 693549, MedGen C5394044, MONDO:0032908, OMIM 618774.

Submission:

MGZ Medical Genetics Center
Classification: Pathogenic for CEBALID syndrome. Last evaluated: 2021-08-12. Review status: criteria provided, single submitter. Criteria: ACMG Guidelines, 2015. Collection method: clinical testing. Allele origin: germline. Affected: yes. Observed: 1 variant allele.
Comment: ACMG criteria applied: PVS1, PS2_MOD, PM2_SUP

NM_002430.3(MN1):c.2464C>T (p.Gln822Ter)

Gene: MN1 (MN1 proto-oncogene, transcriptional regulator; minus strand). Cytogenetic location: 22q12.1.
Variant type: single nucleotide variant.
Coding change: c.2464C>T on transcript NM_002430.3 (MANE Select); coding-DNA position 2464, C replaced by T.
Protein change: p.Gln822Ter; replaces glutamine 822 with a stop codon.
Molecular consequence: nonsense.
Genome position (GRCh38, 1-based): chr22:27,798,080, G>A on the plus strand (C>T on the coding strand, the complement: MN1 is on the minus strand). VCF-style: chr22-27798080-G-A. GRCh37 (hg19) VCF-style: chr22-28194068-G-A.
Other names: short protein forms Q822*.
Identifiers: ClinVar variation 1709292 (VCV001709292.2), dbSNP rs2517771244, ClinGen allele CA411045631.